The following is an entry in ClinVar:

NM_005726.6(TSFM):c.53A>C (p.Tyr18Ser)

Gene: TSFM (Ts translation elongation factor, mitochondrial; plus strand). Cytogenetic location: 12q14.1.
Variant type: single nucleotide variant.
Coding change: c.53A>C on transcript NM_005726.6 (MANE Select); coding-DNA position 53, A replaced by C.
Protein change: p.Tyr18Ser; replaces tyrosine 18 with serine.
Molecular consequence: missense variant.
Genome position (GRCh38, 1-based): chr12:57,782,854, A>C. VCF-style: chr12-57782854-A-C. GRCh37 (hg19) VCF-style: chr12-58176637-A-C.
Other names: c.53A>C, p.Tyr18Ser (NM_001172695.2, NM_001172696.2, NM_001172697.2); short protein forms Y18S.
Identifiers: ClinVar variation 2009373 (VCV002009373.4), dbSNP rs548510701, ClinGen allele CA385523066.

ClinVar aggregate classification (germline): Uncertain significance (1 of 4 stars; one submission).

Submission:

Labcorp Genetics (formerly Invitae), Labcorp
Classification: Uncertain significance. Last evaluated: 2022-07-02. Review status: criteria provided, single submitter. Criteria: Invitae Variant Classification Sherloc (09022015). Collection method: clinical testing. Allele origin: germline.
Comment: Algorithms developed to predict the effect of missense changes on protein structure and function output the following: SIFT: "Tolerated"; PolyPhen-2: "Benign"; Align-GVGD: "Class C0". The serine amino acid residue is found in multiple mammalian species, which suggests that this missense change does not adversely affect protein function. This variant has not been reported in the literature in individuals affected with TSFM-related conditions. This variant is not present in population databases (gnomAD no frequency). This sequence change replaces tyrosine, which is neutral and polar, with serine, which is neutral and polar, at codon 18 of the TSFM protein (p.Tyr18Ser). In summary, the available evidence is currently insufficient to determine the role of this variant in disease. Therefore, it has been classified as a Variant of Uncertain Significance.